The following is an entry in ClinVar:

ClinVar aggregate classification (germline): Pathogenic (1 of 4 stars; one submission).

Submission:

Quest Diagnostics Nichols Institute San Juan Capistrano
Classification: Pathogenic. Last evaluated: 2025-05-05. Review status: criteria provided, single submitter. Criteria: ACMG/ClinGen CNV Guidelines, 2019. Collection method: clinical testing. Allele origin: unknown.
Comment: This deletion involves at least 46 protein-coding genes, including PUF60 (OMIM 604819). Haploinsufficiency of PUF60 gene has been associated with autosomal dominant Verheij syndrome (OMIM 615583). Moreover, individuals with overlapping 8q24.3 deletions have been reported with various phenotypes (CCID:007732; Dauber 2013, Firth 2009, Wells 2016). There are no similar copy number losses of this region in the general populations of the Database of Genomic Variants. Thus, based on current medical literature, this copy number variant (CNV) is classified as pathogenic. References: Dauber et al., Am J Hum Genet. 2013 Nov 7;93(5):798-811. PMID: 24140112 Firth et al., Am J Hum Genet. 2009 Apr;84(4):524-33. PMID: 19344873 Wells et al., Am J Med Genet A. 2016 Jan;170A(1):239-42. PMID: 26437074

GRCh37/hg19 8q24.3(chr8:142893048-144990940)x1

Genes: ADGRB1 (adhesion G protein-coupled receptor B1; plus strand), ARC (activity regulated cytoskeleton associated protein; minus strand), CCDC166 (coiled-coil domain containing 166; minus strand), CYP11B1 (cytochrome P450 family 11 subfamily B member 1; minus strand), CYP11B2 (cytochrome P450 family 11 subfamily B member 2; minus strand) and 37 more. Cytogenetic location: 8q24.3.
Variant type: copy number loss.
Change: copy number 1 (one copy instead of two) of chr8:142,893,048-144,990,940 (2.10 Mb, GRCh37 coordinates, 1-based), cytogenetic band 8q24.3.
Identifiers: ClinVar variation 4682717 (VCV004682717.1).